The following is an entry in ClinVar:

ClinVar aggregate classification (germline): Uncertain significance (1 of 4 stars; one submission).

Submission:

Labcorp Genetics (formerly Invitae), Labcorp
Classification: Uncertain significance. Last evaluated: 2024-10-31. Review status: criteria provided, single submitter. Criteria: Invitae Variant Classification Sherloc (09022015). Collection method: clinical testing. Allele origin: germline.
Comment: This sequence change replaces histidine, which is basic and polar, with arginine, which is basic and polar, at codon 650 of the LRRC8A protein (p.His650Arg). This variant is not present in population databases (gnomAD no frequency). This variant has not been reported in the literature in individuals affected with LRRC8A-related conditions. An algorithm developed to predict the effect of missense changes on protein structure and function (PolyPhen-2) suggests that this variant is likely to be tolerated. In summary, the available evidence is currently insufficient to determine the role of this variant in disease. Therefore, it has been classified as a Variant of Uncertain Significance.

NM_019594.4(LRRC8A):c.1949A>G (p.His650Arg)

Gene: LRRC8A (leucine rich repeat containing 8 VRAC subunit A; plus strand). Cytogenetic location: 9q34.11.
Variant type: single nucleotide variant.
Coding change: c.1949A>G on transcript NM_019594.4 (MANE Select); coding-DNA position 1949, A replaced by G.
Protein change: p.His650Arg; replaces histidine 650 with arginine.
Molecular consequence: missense variant.
Genome position (GRCh38, 1-based): chr9:128,909,113, A>G. VCF-style: chr9-128909113-A-G. GRCh37 (hg19) VCF-style: chr9-131671392-A-G.
Other names: c.1949A>G, p.His650Arg (NM_001127244.2, NM_001127245.2); short protein forms H650R.
Identifiers: ClinVar variation 3724400 (VCV003724400.2).
Genomic context (GRCh38, chr9:128,909,113, plus strand): 5'-AGGAGATCATCAGCTTCCAGCACCTGCACCGCCTCACCTGCCTTAAGCTGTGGTACAACC[A>G]CATCGCCTACATCCCCATCCAGATCGGCAACCTCACCAACCTGGAGCGCCTCTACCTGAA-3'
Protein context (NP_062540.2, residues 640-660): RLTCLKLWYN[His650Arg]IAYIPIQIGN